The following is an entry in ClinVar:

ClinVar aggregate classification (germline): Benign/Likely benign. Review status: criteria provided, multiple submitters, no conflicts (2 of 4 stars). 3 submissions from 3 submitters: Benign (1); Likely benign (2). Last evaluated 2025-02-21.

Conditions:
Hereditary cancer-predisposing syndrome. Also called: Hereditary Cancer Syndrome; Hereditary neoplastic syndrome; Neoplastic Syndromes, Hereditary; Tumor predisposition. Identifiers: Orphanet 140162, MedGen C0027672, MeSH D009386, MONDO:0015356.
Breast-ovarian cancer, familial, susceptibility to, 4. Identifiers: Orphanet 145, MedGen C3280345, MONDO:0013669, OMIM 614291.

gnomAD v4.1: 1 of 1,614,164 alleles (0.000062%); no homozygotes.

Submissions (3):

Myriad Genetics, Inc.
Classification: Benign for Breast-ovarian cancer, familial, susceptibility to, 4. Last evaluated: 2025-02-21. Review status: criteria provided, single submitter. Criteria: Myriad Autosomal Dominant, Autosomal Recessive and X-Linked Classification Criteria (2023). Collection method: clinical testing. Allele origin: unknown.
Comment: This variant is considered benign. This variant is a silent/synonymous amino acid change and it is not expected to impact splicing.

Labcorp Genetics (formerly Invitae), Labcorp
Classification: Likely benign for Breast-ovarian cancer, familial, susceptibility to, 4. Last evaluated: 2024-03-16. Review status: criteria provided, single submitter. Criteria: Invitae Variant Classification Sherloc (09022015). Collection method: clinical testing. Allele origin: germline.

Ambry Genetics
Classification: Likely benign for Hereditary cancer-predisposing syndrome. Last evaluated: 2022-02-14. Review status: criteria provided, single submitter. Criteria: Ambry Variant Classification Scheme 2023. Collection method: clinical testing. Allele origin: germline.

NM_002878.4(RAD51D):c.462C>T (p.Thr154=)

Genes: RAD51L3-RFFL (RAD51L3-RFFL readthrough; minus strand), RAD51D (RAD51 paralog D; minus strand). Cytogenetic location: 17q12.
Variant type: single nucleotide variant.
Coding change: c.462C>T on transcript NM_002878.4 (MANE Select); coding-DNA position 462, C replaced by T.
Protein change: p.Thr154=; no amino-acid change (threonine 154 retained).
Molecular consequence: synonymous variant. On other transcripts: non-coding transcript variant (1), intron variant (1).
Genome position (GRCh38, 1-based): chr17:35,107,006, G>A on the plus strand (C>T on the coding strand, the complement: RAD51D is on the minus strand). VCF-style: chr17-35107006-G-A. GRCh37 (hg19) VCF-style: chr17-33434025-G-A.
Other names: c.522C>T, p.Thr174= (NM_001142571.2); c.145-525C>T (NM_133629.3).
Identifiers: ClinVar variation 1742006 (VCV001742006.8), dbSNP rs2091612775, ClinGen allele CA499731673.